The following is an entry in ClinVar:

NM_004360.5(CDH1):c.318del (p.Tyr107fs)

Gene: CDH1 (cadherin 1; plus strand). Cytogenetic location: 16q22.1.
Variant type: Deletion.
Coding change: c.318del on transcript NM_004360.5 (MANE Select); coding-DNA position 318, one base deleted (C; older notation c.318delC).
Protein change: p.Tyr107fs; shifts the reading frame from tyrosine 107.
Molecular consequence: frameshift variant. On other transcripts: 5 prime UTR variant (2).
Genome position (GRCh38, 1-based): chr16:68,801,824, C deleted; the last of 2 consecutive C bases (chr16:68,801,823-68,801,824); deleting either gives the same sequence. VCF-style (leftmost placement, unchanged base first): chr16-68801822-AC-A. GRCh37 (hg19) VCF-style: chr16-68835725-AC-A.
Other names: c.318del, p.Tyr107fs (NM_001317184.2); c.-1298del (NM_001317185.2); c.-1502del (NM_001317186.2); short protein forms Y107fs.
Identifiers: ClinVar variation 2018897 (VCV002018897.4), dbSNP rs2543905475, ClinGen allele CA2580091900.
Genomic context (GRCh38, chr16:68,801,822, plus strand): 5'-AAAAGGCCTCTACGGTTTCATAACCCACAGATCCATTTCTTGGTCTACGCCTGGGACTCC[AC>A]CTACAGAAAGTTTTCCACCAAAGTCACGCTGAATACAGTGGGGCACCACCACCGCCCCCC-3'

ClinVar aggregate classification (germline): Pathogenic (1 of 4 stars; one submission).

Conditions:
Hereditary diffuse gastric adenocarcinoma (HDGC). Also called: DIFFUSE GASTRIC AND LOBULAR BREAST CANCER SYNDROME. Identifiers: Orphanet 26106, MedGen C1708349, MONDO:0007648, OMIM 137215.

Submission:

Labcorp Genetics (formerly Invitae), Labcorp
Classification: Pathogenic for Hereditary diffuse gastric adenocarcinoma. Last evaluated: 2022-08-03. Review status: criteria provided, single submitter. Criteria: Invitae Variant Classification Sherloc (09022015). Collection method: clinical testing. Allele origin: germline.
Comment: This sequence change creates a premature translational stop signal (p.Tyr107Thrfs*10) in the CDH1 gene. It is expected to result in an absent or disrupted protein product. Loss-of-function variants in CDH1 are known to be pathogenic (PMID: 15235021, 20373070). This variant is not present in population databases (gnomAD no frequency). This variant has not been reported in the literature in individuals affected with CDH1-related conditions. For these reasons, this variant has been classified as Pathogenic.

Literature cited by the submitters: PubMed 15235021; PubMed 20373070.